The following is an entry in ClinVar:

ClinVar aggregate classification (germline): Uncertain significance. Review status: criteria provided, multiple submitters, no conflicts (2 of 4 stars). 2 submissions from 2 submitters: Uncertain significance (2). Last evaluated 2026-05-11.

Conditions:
VPS13B-related disorder. Also called: VPS13B-related condition.
Cohen syndrome (COH1). Also called: PEPPER SYNDROME; Cutis verticis gyrata, retinitis pigmentosa, and sensorineural deafness. Identifiers: Orphanet 193, MedGen C0265223, MONDO:0008999, OMIM 216550.

Allele frequency attached by ClinVar (database versions not stated): gnomAD exomes below 0.00001; TOPMed 0.00001.

Submissions (2):

PreventionGenetics, part of Exact Sciences
Classification: Uncertain significance for VPS13B-related condition. Last evaluated: 2026-05-11. Review status: criteria provided, single submitter. Criteria: ACMG Guidelines, 2015. Collection method: clinical testing. Allele origin: germline.
Comment: The VPS13B c.3158T>A variant is predicted to result in the amino acid substitution p.Met1053Lys. To our knowledge, this variant has not been reported in the literature or in a large population database (gnomAD), indicating this variant is rare. At this time, the clinical significance of this variant is uncertain due to the absence of conclusive functional and genetic evidence.

Labcorp Genetics (formerly Invitae), Labcorp
Classification: Uncertain significance for Cohen syndrome. Last evaluated: 2022-07-05. Review status: criteria provided, single submitter. Criteria: Invitae Variant Classification Sherloc (09022015). Collection method: clinical testing. Allele origin: germline.
Comment: This sequence change replaces methionine, which is neutral and non-polar, with lysine, which is basic and polar, at codon 1053 of the VPS13B protein (p.Met1053Lys). This variant is not present in population databases (gnomAD no frequency). This variant has not been reported in the literature in individuals affected with VPS13B-related conditions. Algorithms developed to predict the effect of missense changes on protein structure and function are either unavailable or do not agree on the potential impact of this missense change (SIFT: "Not Available"; PolyPhen-2: "Possibly Damaging"; Align-GVGD: "Not Available"). In summary, the available evidence is currently insufficient to determine the role of this variant in disease. Therefore, it has been classified as a Variant of Uncertain Significance.

NM_152564.5(VPS13B):c.3158T>A (p.Met1053Lys)

Gene: VPS13B (vacuolar protein sorting 13 homolog B; plus strand). Cytogenetic location: 8q22.2.
Variant type: single nucleotide variant.
Coding change: c.3158T>A on transcript NM_152564.5 (MANE Select); coding-DNA position 3158, T replaced by A.
Protein change: p.Met1053Lys; replaces methionine 1053 with lysine.
Molecular consequence: missense variant.
Genome position (GRCh38, 1-based): chr8:99,431,612, T>A. VCF-style: chr8-99431612-T-A. GRCh37 (hg19) VCF-style: chr8-100443840-T-A.
Other names: c.3158T>A, p.Met1053Lys (NM_017890.5); short protein forms M1053K.
Identifiers: ClinVar variation 2143307 (VCV002143307.2), dbSNP rs1271790009, ClinGen allele CA371868191.